The following is an entry in ClinVar:

ClinVar aggregate classification (germline): Likely benign (1 of 4 stars; one submission).

Allele frequency attached by ClinVar (database versions not stated): gnomAD exomes 0.00006; gnomAD 0.00007; TOPMed 0.00009; ExAC 0.00033.
gnomAD v4.1: 106 of 1,613,784 alleles (0.0066%); highest among the groups gnomAD compares: Middle Eastern, 0.49%; 2 homozygotes.

Submission:

CeGaT Center for Human Genetics Tuebingen
Classification: Likely benign. Last evaluated: 2022-09-01. Review status: criteria provided, single submitter. Criteria: CeGaT Center For Human Genetics Tuebingen Variant Classification Criteria Version 2. Collection method: clinical testing. Allele origin: germline. Affected: yes. Observed: 1 variant allele.
Comment: PCDHA11: BP4, BP7

NM_018902.5(PCDHA11):c.516A>G (p.Leu172=)

Genes: PCDHA-AS1 (protocadherin alpha cluster antisense RNA 1; minus strand), PCDHA1 (protocadherin alpha 1; plus strand), PCDHA10 (protocadherin alpha 10; plus strand), PCDHA11 (protocadherin alpha 11; plus strand), PCDHA2 (protocadherin alpha 2; plus strand) and 8 more. Cytogenetic location: 5q31.3.
Variant type: single nucleotide variant.
Coding change: c.516A>G on transcript NM_018902.5 (MANE Select); coding-DNA position 516, A replaced by G.
Protein change: p.Leu172=; no amino-acid change (leucine 172 retained).
Molecular consequence: synonymous variant. On other transcripts: non-coding transcript variant (1), intron variant (13).
Genome position (GRCh38, 1-based): chr5:140,869,619, A>G. VCF-style: chr5-140869619-A-G. GRCh37 (hg19) VCF-style: chr5-140249204-A-G.
Other names: c.516A>G, p.Leu172= (NM_031861.3); c.2394+80935A>G (NM_018900.4); c.1602+81727A>G (NM_031411.3); c.2388+72267A>G (NM_018905.3); c.2394+66028A>G (NM_018906.3); c.2385+60047A>G (NM_018907.4); c.2352+45492A>G (NM_018908.3); c.2394+39134A>G (NM_018909.4); and 6 more.
Identifiers: ClinVar variation 2655791 (VCV002655791.24), dbSNP rs369497274, ClinGen allele CA3451795.
Genomic context (GRCh38, chr5:140,869,619, plus strand): 5'-TCCACTAGAGGGAGCTTCTGATGCTGACATTGAAGAGAATGCTCTATTGACCTACAGGCT[A>G]AGTAAAAATGAGTATTTTTCTTTAGATTCACCAACAAATGGTAAGCAGATTAAAAGACTG-3'
Protein context (NP_061725.1, residues 162-182): IEENALLTYR[Leu172=]SKNEYFSLDS